The following is an entry in ClinVar:

ClinVar aggregate classification (germline): Uncertain significance (1 of 4 stars; one submission).

Allele frequency attached by ClinVar (database versions not stated): gnomAD exomes 0.00013 and 0.00012; TOPMed 0.00017; gnomAD 0.00022 and 0.00024; ESP Exome Variant Server 0.00008; ExAC 0.00012.
gnomAD v4.1: 225 of 1,612,296 alleles (0.014%); highest among the groups gnomAD compares: Middle Eastern, 0.033%; 1 homozygote.

Submission:

Labcorp Genetics (formerly Invitae), Labcorp
Classification: Uncertain significance. Last evaluated: 2025-12-08. Review status: criteria provided, single submitter. Criteria: Invitae Variant Classification Sherloc (09022015). Collection method: clinical testing. Allele origin: germline.
Comment: This sequence change replaces isoleucine, which is neutral and non-polar, with leucine, which is neutral and non-polar, at codon 208 of the PLD1 protein (p.Ile208Leu). This variant is present in population databases (rs201760337, gnomAD 0.03%). This variant has not been reported in the literature in individuals affected with PLD1-related conditions. ClinVar contains an entry for this variant (Variation ID: 1518203). Invitae Evidence Modeling of protein sequence and biophysical properties (such as structural, functional, and spatial information, amino acid conservation, physicochemical variation, residue mobility, and thermodynamic stability) indicates that this missense variant is not expected to disrupt PLD1 protein function with a negative predictive value of 80%. In summary, the available evidence is currently insufficient to determine the role of this variant in disease. Therefore, it has been classified as a Variant of Uncertain Significance.

NM_002662.5(PLD1):c.622A>T (p.Ile208Leu)

Gene: PLD1 (phospholipase D1; minus strand). Cytogenetic location: 3q26.31.
Variant type: single nucleotide variant.
Coding change: c.622A>T on transcript NM_002662.5 (MANE Select); coding-DNA position 622, A replaced by T.
Protein change: p.Ile208Leu; replaces isoleucine 208 with leucine.
Molecular consequence: missense variant.
Genome position (GRCh38, 1-based): chr3:171,726,061, T>A on the plus strand (A>T on the coding strand, the complement: PLD1 is on the minus strand). VCF-style: chr3-171726061-T-A. GRCh37 (hg19) VCF-style: chr3-171443851-T-A.
Other names: c.622A>T, p.Ile208Leu (NM_001130081.3); short protein forms I208L.
Identifiers: ClinVar variation 1518203 (VCV001518203.6), dbSNP rs201760337, ClinGen allele CA2704890.
Genomic context (GRCh38, chr3:171,726,061, plus strand): 5'-GGTTTATTGCAACTTACATGCCCTTTGGTCCCAAATCATGGATGAAAGACAGCTGGCTTA[T>A]ATCAAGAAACTCTGTCTGAAAAGAAGCAAAAAATCCATCTTTAGCAAGCAAAACAATTCA-3'
Protein context (NP_002653.1, residues 198-218): NYHATTEFLD[Ile208Leu]SQLSFIHDLG